The following is an entry in ClinVar:

ClinVar aggregate classification (germline): Likely benign. Review status: criteria provided, multiple submitters, no conflicts (2 of 4 stars). 3 submissions from 3 submitters: Likely benign (3). Last evaluated 2026-03-01.

Allele frequency attached by ClinVar (database versions not stated): gnomAD 0.00001; gnomAD exomes 0.00003; TOPMed 0.00003.
gnomAD v4.1: 46 of 1,613,976 alleles (0.0029%); highest among the groups gnomAD compares: African/African-American, 0.008%; no homozygotes.

Submissions (3):

CeGaT Center for Human Genetics Tuebingen
Classification: Likely benign. Last evaluated: 2026-03-01. Review status: criteria provided, single submitter. Criteria: CeGaT Center For Human Genetics Tuebingen Variant Classification Criteria Version 2. Collection method: clinical testing. Allele origin: germline. Affected: yes. Observed: 1 variant allele.
Comment: KCNJ6: BP4, BP7

Labcorp Genetics (formerly Invitae), Labcorp
Classification: Likely benign. Last evaluated: 2026-01-19. Review status: criteria provided, single submitter. Criteria: Invitae Variant Classification Sherloc (09022015). Collection method: clinical testing. Allele origin: germline.

Blueprint Genetics
Classification: Likely benign. Last evaluated: 2021-10-21. Review status: criteria provided, single submitter. Criteria: ACMG Guidelines, 2015. Collection method: clinical testing. Allele origin: germline.

NM_002240.5(KCNJ6):c.1041C>T (p.Tyr347=)

Genes: KCNJ6 (potassium inwardly rectifying channel subfamily J member 6; minus strand), KCNJ6-AS1 (KCNJ6 antisense RNA 1; plus strand). Cytogenetic location: 21q22.13.
Variant type: single nucleotide variant.
Coding change: c.1041C>T on transcript NM_002240.5 (MANE Select); coding-DNA position 1041, C replaced by T.
Protein change: p.Tyr347=; no amino-acid change (tyrosine 347 retained).
Molecular consequence: synonymous variant.
Genome position (GRCh38, 1-based): chr21:37,625,390, G>A on the plus strand (C>T on the coding strand, the complement: KCNJ6 is on the minus strand). VCF-style: chr21-37625390-G-A. GRCh37 (hg19) VCF-style: chr21-38997692-G-A.
Identifiers: ClinVar variation 1903775 (VCV001903775.10), dbSNP rs1026217211, ClinGen allele CA320797662.